The following is an entry in ClinVar:

NM_001082486.2(ACD):c.184G>A (p.Asp62Asn)

Gene: ACD (ACD shelterin complex subunit and telomerase recruitment factor; minus strand). Cytogenetic location: 16q22.1.
Variant type: single nucleotide variant.
Coding change: c.184G>A on transcript NM_001082486.2 (MANE Select); coding-DNA position 184, G replaced by A.
Protein change: p.Asp62Asn; replaces aspartic acid 62 with asparagine.
Molecular consequence: missense variant.
Genome position (GRCh38, 1-based): chr16:67,659,961, C>T on the plus strand (G>A on the coding strand, the complement: ACD is on the minus strand). VCF-style: chr16-67659961-C-T. GRCh37 (hg19) VCF-style: chr16-67693864-C-T.
Other names: c.184G>A, p.Asp62Asn (NM_001410884.1); c.175G>A, p.Asp59Asn (NM_022914.3); short protein forms D59N, D62N.
Identifiers: ClinVar variation 2098681 (VCV002098681.4), dbSNP rs2543610289, ClinGen allele CA396356715.
Genomic context (GRCh38, chr16:67,659,961, plus strand): 5'-ACCAGTCCGAGGTGTCCAGGGCCTCCCGCGTCACCAGGCATCGGACACTGTGGGTCCCGT[C>T]AGACACAAGCAGCGTGGCCCCGACGTCGGACGTATCAGGGGCGTGGGATGGGCCCGCGAC-3'
Protein context (NP_001075955.2, residues 52-72): SDVGATLLVS[Asp62Asn]GTHSVRCLVT

ClinVar aggregate classification (germline): Uncertain significance (1 of 4 stars; one submission).

Conditions:
Dyskeratosis congenita, autosomal dominant 6 (DKCA6). Identifiers: Orphanet 3322, MedGen C4225284, MONDO:0014690, OMIM 616553.

Submission:

Labcorp Genetics (formerly Invitae), Labcorp
Classification: Uncertain significance for Dyskeratosis congenita, autosomal dominant 6. Last evaluated: 2022-02-18. Review status: criteria provided, single submitter. Criteria: Invitae Variant Classification Sherloc (09022015). Collection method: clinical testing. Allele origin: germline.
Comment: This sequence change replaces aspartic acid, which is acidic and polar, with asparagine, which is neutral and polar, at codon 148 of the ACD protein (p.Asp148Asn). This variant is not present in population databases (gnomAD no frequency). This variant has not been reported in the literature in individuals affected with ACD-related conditions. Algorithms developed to predict the effect of missense changes on protein structure and function are either unavailable or do not agree on the potential impact of this missense change (SIFT: "Deleterious"; PolyPhen-2: "Probably Damaging"; Align-GVGD: "Class C0"). In summary, the available evidence is currently insufficient to determine the role of this variant in disease. Therefore, it has been classified as a Variant of Uncertain Significance.